The following is an entry in ClinVar:

NM_001042545.2(LTBP4):c.2860C>T (p.Arg954Cys)

Gene: LTBP4 (latent transforming growth factor beta binding protein 4; plus strand). Cytogenetic location: 19q13.2.
Variant type: single nucleotide variant.
Coding change: c.2860C>T on transcript NM_001042545.2 (MANE Select); coding-DNA position 2860, C replaced by T.
Protein change: p.Arg954Cys; replaces arginine 954 with cysteine.
Molecular consequence: missense variant.
Genome position (GRCh38, 1-based): chr19:40,616,936, C>T. VCF-style: chr19-40616936-C-T. GRCh37 (hg19) VCF-style: chr19-41122842-C-T.
Other names: c.3061C>T, p.Arg1021Cys (NM_001042544.1); c.2950C>T, p.Arg984Cys (NM_003573.2); short protein forms R954C, R984C, R1021C.
Identifiers: ClinVar variation 2176794 (VCV002176794.2), dbSNP rs573310430, ClinGen allele CA9448815.

ClinVar aggregate classification (germline): Uncertain significance. Review status: criteria provided, multiple submitters, no conflicts (2 of 4 stars). 2 submissions from 2 submitters: Uncertain significance (2). Last evaluated 2022-03-05.

Conditions:
Inborn genetic diseases. Identifiers: MedGen C0950123, MeSH D030342.

Allele frequency attached by ClinVar (database versions not stated): TOPMed below 0.00001; ExAC 0.00002; gnomAD 0.00002; 1000 Genomes Project 30x 0.00016; 1000 Genomes Project 0.00020.
gnomAD v4.1: 34 of 1,614,004 alleles (0.0021%); highest among the groups gnomAD compares: African/African-American, 0.02%; no homozygotes.

Submissions (2):

Labcorp Genetics (formerly Invitae), Labcorp
Classification: Uncertain significance. Last evaluated: 2022-03-05. Review status: criteria provided, single submitter. Criteria: Invitae Variant Classification Sherloc (09022015). Collection method: clinical testing. Allele origin: germline.
Comment: This sequence change replaces arginine, which is basic and polar, with cysteine, which is neutral and slightly polar, at codon 984 of the LTBP4 protein (p.Arg984Cys). This variant is present in population databases (rs573310430, gnomAD 0.004%). This variant has not been reported in the literature in individuals affected with LTBP4-related conditions. Experimental studies and prediction algorithms are not available or were not evaluated, and the functional significance of this variant is currently unknown. In summary, the available evidence is currently insufficient to determine the role of this variant in disease. Therefore, it has been classified as a Variant of Uncertain Significance.

Ambry Genetics
Classification: Uncertain significance for Inborn genetic diseases. Last evaluated: 2021-07-13. Review status: criteria provided, single submitter. Criteria: Ambry Variant Classification Scheme 2023. Collection method: clinical testing. Allele origin: germline.